The following is an entry in ClinVar:

NM_005477.3(HCN4):c.2138G>A (p.Arg713His)

Gene: HCN4 (hyperpolarization activated cyclic nucleotide gated potassium channel 4; minus strand). Cytogenetic location: 15q24.1.
Variant type: single nucleotide variant.
Coding change: c.2138G>A on transcript NM_005477.3 (MANE Select); coding-DNA position 2138, G replaced by A.
Protein change: p.Arg713His; replaces arginine 713 with histidine.
Molecular consequence: missense variant.
Genome position (GRCh38, 1-based): chr15:73,324,094, C>T on the plus strand (G>A on the coding strand, the complement: HCN4 is on the minus strand). VCF-style: chr15-73324094-C-T. GRCh37 (hg19) VCF-style: chr15-73616435-C-T.
Other names: c.2138G>A (NM_005477.2); short protein forms R713H.
Identifiers: ClinVar variation 2152249 (VCV002152249.3), dbSNP rs748074312, ClinGen allele CA7649120.

ClinVar aggregate classification (germline): Uncertain significance. Review status: criteria provided, multiple submitters, no conflicts (2 of 4 stars). 2 submissions from 2 submitters: Uncertain significance (2). Last evaluated 2026-03-15.

Conditions:
Brugada syndrome 8 (BRGDA8). Identifiers: Orphanet 130, MedGen C2751083, MONDO:0013148, OMIM 613123.

Allele frequency attached by ClinVar (database versions not stated): ExAC 0.00001.

Submissions (2):

GeneDx
Classification: Uncertain significance. Last evaluated: 2026-03-15. Review status: criteria provided, single submitter. Criteria: GeneDx Variant Classification Process June 2021. Collection method: clinical testing. Allele origin: germline.
Comment: Reported in a patient with idiopathic ventricular fibrillation in published literature; segregation information was not provided (PMID: 29032884); Not observed at significant frequency in large population cohorts (gnomAD); In silico analysis supports that this missense variant has a deleterious effect on protein structure/function; This variant is associated with the following publications: (PMID: 29032884)

Labcorp Genetics (formerly Invitae), Labcorp
Classification: Uncertain significance for Brugada syndrome 8. Last evaluated: 2023-05-15. Review status: criteria provided, single submitter. Criteria: Invitae Variant Classification Sherloc (09022015). Collection method: clinical testing. Allele origin: germline.
Comment: In summary, the available evidence is currently insufficient to determine the role of this variant in disease. Therefore, it has been classified as a Variant of Uncertain Significance. Advanced modeling of protein sequence and biophysical properties (such as structural, functional, and spatial information, amino acid conservation, physicochemical variation, residue mobility, and thermodynamic stability) performed at Invitae indicates that this missense variant is not expected to disrupt HCN4 protein function. ClinVar contains an entry for this variant (Variation ID: 2152249). This missense change has been observed in individual(s) with idiopathic ventricular fibrillation (PMID: 29032884). This variant is present in population databases (rs748074312, gnomAD 0.006%). This sequence change replaces arginine, which is basic and polar, with histidine, which is basic and polar, at codon 713 of the HCN4 protein (p.Arg713His).

Literature cited by the submitters: PubMed 29032884 (cited by Labcorp Genetics (formerly Invitae), Labcorp).